The following is an entry in ClinVar:

NM_006206.6(PDGFRA):c.3040G>T (p.Ala1014Ser)

Gene: PDGFRA (platelet derived growth factor receptor alpha; plus strand). Cytogenetic location: 4q12.
Variant type: single nucleotide variant.
Coding change: c.3040G>T on transcript NM_006206.6 (MANE Select); coding-DNA position 3040, G replaced by T.
Protein change: p.Ala1014Ser; replaces alanine 1014 with serine.
Molecular consequence: missense variant.
Genome position (GRCh38, 1-based): chr4:54,290,472, G>T. VCF-style: chr4-54290472-G-T. GRCh37 (hg19) VCF-style: chr4-55156639-G-T.
Other names: c.3115G>T, p.Ala1039Ser (NM_001347828.2); c.3040G>T, p.Ala1014Ser (NM_001347829.2); c.3079G>T, p.Ala1027Ser (NM_001347830.2); short protein forms A1039S, A1027S, A1014S.
Identifiers: ClinVar variation 1987091 (VCV001987091.5), dbSNP rs768291477, ClinGen allele CA356896251.
Genomic context (GRCh38, chr4:54,290,472, plus strand): 5'-AAAAACGAGGAAGACAAGCTGAAGGACTGGGAGGGTGGTCTGGATGAGCAGAGACTGAGC[G>T]CTGACAGTGGCTACATCATTCCTCTGCCTGACATTGACCCTGTCCCTGAGGAGGAGGACC-3'
Protein context (NP_006197.1, residues 1004-1024): EGGLDEQRLS[Ala1014Ser]DSGYIIPLPD

ClinVar aggregate classification (germline): Conflicting classifications of pathogenicity. Review status: criteria provided, conflicting classifications (1 of 4 stars). 2 submissions from 2 submitters: Uncertain significance (1); Likely benign (1). Last evaluated 2026-04-28.

Conditions:
Hereditary cancer-predisposing syndrome. Also called: Tumor predisposition; Hereditary Cancer Syndrome; Hereditary neoplastic syndrome; Neoplastic Syndromes, Hereditary. Identifiers: Orphanet 140162, MedGen C0027672, MeSH D009386, MONDO:0015356.
Gastrointestinal stromal tumor. Also called: Gastrointestinal stroma tumor; Gastrointestinal stromal tumor, somatic. Identifiers: Orphanet 44890, MedGen C0238198, MeSH D046152, MONDO:0011719, OMIM 606764, HP:0100723.

Submissions (2):

Ambry Genetics
Classification: Likely benign for Hereditary cancer-predisposing syndrome. Last evaluated: 2026-04-28. Review status: criteria provided, single submitter. Criteria: Ambry Variant Classification Scheme 2023. Collection method: clinical testing. Allele origin: germline.

Labcorp Genetics (formerly Invitae), Labcorp
Classification: Uncertain significance for Gastrointestinal stromal tumor. Last evaluated: 2024-01-27. Review status: criteria provided, single submitter. Criteria: Invitae Variant Classification Sherloc (09022015). Collection method: clinical testing. Allele origin: germline.
Comment: This sequence change replaces alanine, which is neutral and non-polar, with serine, which is neutral and polar, at codon 1014 of the PDGFRA protein (p.Ala1014Ser). This variant is not present in population databases (gnomAD no frequency). This variant has not been reported in the literature in individuals affected with PDGFRA-related conditions. ClinVar contains an entry for this variant (Variation ID: 1987091). Advanced modeling of protein sequence and biophysical properties (such as structural, functional, and spatial information, amino acid conservation, physicochemical variation, residue mobility, and thermodynamic stability) performed at Invitae indicates that this missense variant is not expected to disrupt PDGFRA protein function with a negative predictive value of 80%. In summary, the available evidence is currently insufficient to determine the role of this variant in disease. Therefore, it has been classified as a Variant of Uncertain Significance.